The following is an entry in ClinVar:

ClinVar aggregate classification (germline): Pathogenic/Likely pathogenic. Review status: criteria provided, multiple submitters, no conflicts (2 of 4 stars). 8 submissions from 8 submitters: Pathogenic (6); Likely pathogenic (1). 1 of the submissions does not count toward it. Last evaluated 2026-04-01.
ClinVar aggregate classification (somatic clinical impact): Tier I - Strong (1 of 4 stars; one submission).

Conditions:
Neurofibromatosis, type 1 (NF1). Also called: VON RECKLINGHAUSEN DISEASE; Peripheral type neurofibromatosis; Neurofibromatosis, type I; NEUROFIBROMATOSIS, TYPE I, SOMATIC. Identifiers: Orphanet 636, MedGen C0027831, MONDO:0018975, OMIM 162200. Disease mechanism: loss of function.
Neurofibromatosis-Noonan syndrome (NFNS). Also called: NEUROFIBROMATOSIS WITH NOONAN PHENOTYPE. Identifiers: Orphanet 638, MedGen C2931482, MONDO:0011035, OMIM 601321. Disease mechanism: loss of function.
Hereditary cancer-predisposing syndrome. Also called: Hereditary neoplastic syndrome; Tumor predisposition; Neoplastic Syndromes, Hereditary; Hereditary Cancer Syndrome. Identifiers: Orphanet 140162, MedGen C0027672, MeSH D009386, MONDO:0015356.
Cardiovascular phenotype. Identifiers: MedGen CN230736.
Embryonal rhabdomyosarcoma (ERMS). Also called: Botryoid rhabdomyosarcoma (type of ERMS); Spindle cell rhabdomyosarcomas (type of ERMS). Identifiers: Orphanet 99757, MedGen C0206656, MONDO:0009993, HP:0006743.

Submissions (9):

Department of Genetics, Sultan Qaboos University Hospital
Classification: Pathogenic for Neurofibromatosis, type 1. Last evaluated: 2026-04-01. Review status: criteria provided, single submitter. Criteria: ACMG Guidelines, 2015. Collection method: clinical testing. Allele origin: germline. Affected: yes. Observed: 1 variant allele.
Comment: PVS1,PM2,PP5_Very_Strong

Labcorp Genetics (formerly Invitae), Labcorp
Classification: Pathogenic for Neurofibromatosis, type 1. Last evaluated: 2025-09-04. Review status: criteria provided, single submitter. Criteria: Invitae Variant Classification Sherloc (09022015). Collection method: clinical testing. Allele origin: germline.
Comment: This sequence change creates a premature translational stop signal (p.Gln315*) in the NF1 gene. It is expected to result in an absent or disrupted protein product. Loss-of-function variants in NF1 are known to be pathogenic (PMID: 10712197, 23913538). This variant is not present in population databases (gnomAD no frequency). This premature translational stop signal has been observed in individual(s) with neurofibromatosis, type 1 (PMID: 10874316). ClinVar contains an entry for this variant (Variation ID: 547574). Algorithms developed to predict the effect of sequence changes on RNA splicing suggest that this variant may disrupt the consensus splice site. For these reasons, this variant has been classified as Pathogenic.

Institute for Genomic Medicine (IGM) Clinical Laboratory, Nationwide Children's Hospital
Classification: Likely pathogenic for Neurofibromatosis, type 1. Last evaluated: 2025-07-30. Review status: criteria provided, single submitter. Criteria: ACMG Guidelines, 2015. Collection method: clinical testing. Allele origin: germline.
Comment: Well-established functional studies have demonstrated this variant to have a damaging effect on protein function or splicing (ACMG/AMP: PS3_Moderate; PMIDs:10874316, 15523642, 26509978). This variant has been reported at an elevated frequency in affected individuals/in multiple affected individuals in the literature (ACMG/AMP: PS4_Supporting; PMID:10874316). This variant is absent from or present at an exceedingly low frequency in gnomAD, a large-scale control population database (ACMG/AMP: PM2). This variant is predicted to result in an in-frame insertion or deletion in a non-repetitive region (ACMG/AMP: PM4).

GeneDx
Classification: Pathogenic. Last evaluated: 2024-11-22. Review status: criteria provided, single submitter. Criteria: GeneDx Variant Classification Process June 2021. Collection method: clinical testing. Allele origin: germline. Affected: yes.
Comment: Nonsense variant predicted to result in protein truncation or nonsense mediated decay in a gene for which loss of function is a known mechanism of disease; Published functional studies demonstrate a damaging effect: aberrant splicing with skipping of exon 9 (also published as exon 7) (PMID: 26509978, 15523642); Not observed at significant frequency in large population cohorts (gnomAD); This variant is associated with the following publications: (PMID: 17981615, 25525159, 15523642, 19339519, 26509978, 10874316)

Ambry Genetics
Classification: Pathogenic for Cardiovascular phenotype; Hereditary cancer-predisposing syndrome. Last evaluated: 2024-11-21. Review status: criteria provided, single submitter. Criteria: Ambry Variant Classification Scheme 2023. Collection method: clinical testing. Allele origin: germline.
Comment: The p.Q315* pathogenic mutation (also known as c.943C>T), located in coding exon 9 of the NF1 gene, results from a C to T substitution at nucleotide position 943. This changes the amino acid from a glutamine to a stop codon within coding exon 9. This variant was reported in multiple individuals with features consistent with Neurofibromatosis type 1 (NF1) (Wimmer K et al. Hum Mutat, 2000 Jul;16:90-1; Ambry internal data). This variant is considered to be rare based on population cohorts in the Genome Aggregation Database (gnomAD). This alteration is expected to result in loss of function by premature protein truncation or nonsense-mediated mRNA decay. As such, this alteration is interpreted as a disease-causing mutation.

Institute for Genomic Medicine (IGM) Clinical Laboratory, Nationwide Children's Hospital
Classification: Tier I - Strong for Embryonal rhabdomyosarcoma. Assertion type: diagnostic. Clinical significance: supports diagnosis. Last evaluated: 2022-11-23. Review status: criteria provided, single submitter. Criteria: AMP/ASCO/CAP Guidelines, 2017. Collection method: clinical testing. Allele origin: somatic. Affected: yes.
Comment: Variant has Tier I (strong) clinical significance as a diagnostic inclusion criterion in embryonal rhabdomyosarcoma, based on the following evidence: 1) Documented in one or more cancer databases (e.g., St. Jude Pecan, COSMIC, CIViC, OncoKB). 2) Appears in one or more well-established professional guidelines (e.g., World Health Organization [WHO]; National Comprehensive Cancer Network [NCCN]) as providing diagnostic, prognostic, or therapeutic information. 3) Information in the literature supports potential biologic effect of variant. 4) Diagnostic for a specific tumor type/classification based on well-powered studies with expert-level consensus (Evidence Level B; PMIDs: 34166060, 24436047, 26138366, 21412928).

Genome-Nilou Lab
Classification: Pathogenic for Neurofibromatosis, type 1. Last evaluated: 2022-03-15. Review status: criteria provided, single submitter. Criteria: ACMG Guidelines, 2015. Collection method: clinical testing. Allele origin: germline. Affected: no.

Center for Human Genetics, Inc
Classification: Pathogenic for Neurofibromatosis, type 1. Last evaluated: 2016-11-01. Review status: criteria provided, single submitter. Criteria: ACMG Guidelines, 2015. Collection method: clinical testing. Allele origin: germline. Affected: yes.

Department of Pediatrics, Taizhou Central Hospital, Taizhou University Hospital
Classification: Pathogenic for Neurofibromatosis-Noonan syndrome. Last evaluated: 2024-02-01. Review status: no assertion criteria provided. Collection method: clinical testing. Allele origin: maternal. Affected: yes. Observed: 1 variant allele. Not counted in ClinVar's aggregate classification.

Literature cited by the submitters: PubMed 10712197 (cited by Labcorp Genetics (formerly Invitae), Labcorp); PubMed 23913538 (cited by Labcorp Genetics (formerly Invitae), Labcorp); PubMed 10874316 (cited by 3 submitters); PubMed 15523642 (cited by Institute for Genomic Medicine (IGM) Clinical Laboratory, Nationwide Children's Hospital); PubMed 26509978 (cited by Institute for Genomic Medicine (IGM) Clinical Laboratory, Nationwide Children's Hospital); PubMed 34166060 (cited by Institute for Genomic Medicine (IGM) Clinical Laboratory, Nationwide Children's Hospital); PubMed 24436047 (cited by Institute for Genomic Medicine (IGM) Clinical Laboratory, Nationwide Children's Hospital); PubMed 26138366 (cited by Institute for Genomic Medicine (IGM) Clinical Laboratory, Nationwide Children's Hospital); PubMed 21412928 (cited by Institute for Genomic Medicine (IGM) Clinical Laboratory, Nationwide Children's Hospital).

NM_001042492.3(NF1):c.943C>T (p.Gln315Ter)

Gene: NF1 (neurofibromin 1; plus strand). Cytogenetic location: 17q11.2.
Variant type: single nucleotide variant.
Coding change: c.943C>T on transcript NM_001042492.3 (MANE Select); coding-DNA position 943, C replaced by T.
Protein change: p.Gln315Ter; replaces glutamine 315 with a stop codon.
Molecular consequence: nonsense.
Genome position (GRCh38, 1-based): chr17:31,200,476, C>T. VCF-style: chr17-31200476-C-T. GRCh37 (hg19) VCF-style: chr17-29527494-C-T.
Other names: c.943C>T, p.Gln315Ter (NM_000267.4, NM_001128147.3); short protein forms Q315*.
Identifiers: ClinVar variation 547574 (VCV000547574.16), dbSNP rs766011053, ClinGen allele CA398995777.